The following is an entry in ClinVar:

NM_017780.4(CHD7):c.6784G>C (p.Val2262Leu)

Gene: CHD7 (chromodomain helicase DNA binding protein 7; plus strand). Cytogenetic location: 8q12.2.
Variant type: single nucleotide variant.
Coding change: c.6784G>C on transcript NM_017780.4 (MANE Select); coding-DNA position 6784, G replaced by C.
Protein change: p.Val2262Leu; replaces valine 2262 with leucine.
Molecular consequence: missense variant. On other transcripts: intron variant (1).
Genome position (GRCh38, 1-based): chr8:60,854,371, G>C. VCF-style: chr8-60854371-G-C. GRCh37 (hg19) VCF-style: chr8-61766930-G-C.
Other names: c.1717-7858G>C (NM_001316690.1); short protein forms V2262L.
Identifiers: ClinVar variation 2740820 (VCV002740820.3), dbSNP rs2488056394, ClinGen allele CA371294502.
Genomic context (GRCh38, chr8:60,854,371, plus strand): 5'-CAGTTTCCCTGATACTGTGGTTGTGAGTAATGCACATTAACTCATTTCTCAGCAGGAGCT[G>C]TCTCTAGAGGGAAGAATTTTGATGAAGAAAGCAATGCTTCCATGAGCACTGCTAGAGATG-3'
Protein context (NP_060250.2, residues 2252-2272): EESSQPEAGA[Val2262Leu]SRGKNFDEES

ClinVar aggregate classification (germline): Uncertain significance (1 of 4 stars; one submission).

Conditions:
CHARGE syndrome (CHARGE). Also called: Hittner Hirsch Kreh syndrome; CHARGE ASSOCIATION--COLOBOMA, HEART ANOMALY, CHOANAL ATRESIA, RETARDATION, GENITAL AND EAR ANOMALIES; Coloboma, heart anomaly, choanal atresia, retardation, genital and ear anomalies; CHARGE association; Hall-Hittner syndrome. Identifiers: Orphanet 138, MedGen C0265354, MONDO:0008965.

Allele frequency attached by ClinVar (database versions not stated): gnomAD exomes below 0.00001.
gnomAD v4.1: 1 of 1,613,506 alleles (0.000062%); highest among the groups gnomAD compares: Non-Finnish European, 0.000085%; no homozygotes.

Submission:

Labcorp Genetics (formerly Invitae), Labcorp
Classification: Uncertain significance for CHARGE syndrome. Last evaluated: 2025-10-05. Review status: criteria provided, single submitter. Criteria: Invitae Variant Classification Sherloc (09022015). Collection method: clinical testing. Allele origin: germline.
Comment: This sequence change replaces valine, which is neutral and non-polar, with leucine, which is neutral and non-polar, at codon 2262 of the CHD7 protein (p.Val2262Leu). This variant is not present in population databases (gnomAD no frequency). This variant has not been reported in the literature in individuals affected with CHD7-related conditions. ClinVar contains an entry for this variant (Variation ID: 2740820). Invitae Evidence Modeling of protein sequence and biophysical properties (such as structural, functional, and spatial information, amino acid conservation, physicochemical variation, residue mobility, and thermodynamic stability) indicates that this missense variant is not expected to disrupt CHD7 protein function with a negative predictive value of 95%. In summary, the available evidence is currently insufficient to determine the role of this variant in disease. Therefore, it has been classified as a Variant of Uncertain Significance.